The following is an entry in ClinVar:

ClinVar aggregate classification (germline): Uncertain significance (1 of 4 stars; one submission).

Conditions:
3-methylglutaconic aciduria, type VIIB (MGCA7B). Also called: 3-methylglutaconic aciduria, type VII, with cataracts, neurologic involvement and neutropenia; CLPB Deficiency; 3-methylglutaconic aciduria with cataracts, neurologic involvement and neutropenia. Identifiers: Orphanet 445038, MedGen C5676893, MONDO:0014561, OMIM 616271.

Submission:

Labcorp Genetics (formerly Invitae), Labcorp
Classification: Uncertain significance for 3-methylglutaconic aciduria, type VIIB. Last evaluated: 2024-03-19. Review status: criteria provided, single submitter. Criteria: Invitae Variant Classification Sherloc (09022015). Collection method: clinical testing. Allele origin: germline.
Comment: This sequence change replaces asparagine, which is neutral and polar, with serine, which is neutral and polar, at codon 36 of the CLPB protein (p.Asn36Ser). This variant is not present in population databases (gnomAD no frequency). This variant has not been reported in the literature in individuals affected with CLPB-related conditions. Algorithms developed to predict the effect of missense changes on protein structure and function output the following: SIFT: "Not Available"; PolyPhen-2: "Benign"; Align-GVGD: "Not Available". The serine amino acid residue is found in multiple mammalian species, which suggests that this missense change does not adversely affect protein function. In summary, the available evidence is currently insufficient to determine the role of this variant in disease. Therefore, it has been classified as a Variant of Uncertain Significance.

NM_001258392.3(CLPB):c.107A>G (p.Asn36Ser)

Genes: CLPB (ClpB family mitochondrial disaggregase; minus strand), LOC130006336 (ATAC-STARR-seq lymphoblastoid active region 5191; plus strand). Cytogenetic location: 11q13.4.
Variant type: single nucleotide variant.
Coding change: c.107A>G on transcript NM_001258392.3 (MANE Select); coding-DNA position 107, A replaced by G.
Protein change: p.Asn36Ser; replaces asparagine 36 with serine.
Molecular consequence: missense variant. On other transcripts: 5 prime UTR variant (1).
Genome position (GRCh38, 1-based): chr11:72,434,368, T>C on the plus strand (A>G on the coding strand, the complement: CLPB is on the minus strand). VCF-style: chr11-72434368-T-C. GRCh37 (hg19) VCF-style: chr11-72145412-T-C.
Other names: c.107A>G, p.Asn36Ser (NM_001258393.3, NM_030813.6); c.-136A>G (NM_001258394.3); short protein forms N36S.
Identifiers: ClinVar variation 3646822 (VCV003646822.2).